The following is an entry in ClinVar:

NM_006445.4(PRPF8):c.851G>A (p.Arg284Gln)

Gene: PRPF8 (pre-mRNA processing factor 8; minus strand). Cytogenetic location: 17p13.3.
Variant type: single nucleotide variant.
Coding change: c.851G>A on transcript NM_006445.4 (MANE Select); coding-DNA position 851, G replaced by A.
Protein change: p.Arg284Gln; replaces arginine 284 with glutamine.
Molecular consequence: missense variant.
Genome position (GRCh38, 1-based): chr17:1,681,493, C>T on the plus strand (G>A on the coding strand, the complement: PRPF8 is on the minus strand). VCF-style: chr17-1681493-C-T. GRCh37 (hg19) VCF-style: chr17-1584787-C-T.
Other names: short protein forms R284Q.
Identifiers: ClinVar variation 866482 (VCV000866482.4), dbSNP rs1912920951, ClinGen allele CA397566346.

ClinVar aggregate classification (germline): Uncertain significance. Review status: criteria provided, multiple submitters, no conflicts (2 of 4 stars). 3 submissions from 3 submitters: Uncertain significance (3). Last evaluated 2024-04-29.

Conditions:
Inborn genetic diseases. Identifiers: MedGen C0950123, MeSH D030342.

Allele frequency attached by ClinVar (database versions not stated): gnomAD exomes below 0.00001.
gnomAD v4.1: 2 of 1,598,190 alleles (0.00013%); highest among the groups gnomAD compares: Non-Finnish European, 0.00017%; no homozygotes.

Submissions (3):

GeneDx
Classification: Uncertain significance. Last evaluated: 2024-04-29. Review status: criteria provided, single submitter. Criteria: GeneDx Variant Classification Process June 2021. Collection method: clinical testing. Allele origin: germline. Affected: yes.
Comment: Not observed at significant frequency in large population cohorts (gnomAD); In silico analysis indicates that this missense variant does not alter protein structure/function; Has not been previously published as pathogenic or benign to our knowledge

Ambry Genetics
Classification: Uncertain significance for Inborn genetic diseases. Last evaluated: 2024-04-22. Review status: criteria provided, single submitter. Criteria: Ambry Variant Classification Scheme 2023. Collection method: clinical testing. Allele origin: germline.

Blueprint Genetics
Classification: Uncertain significance. Last evaluated: 2023-07-10. Review status: criteria provided, single submitter. Criteria: ACMG Guidelines, 2015. Collection method: clinical testing. Allele origin: germline.